The following is an entry in ClinVar:

NM_017934.7(PHIP):c.3539T>C (p.Ile1180Thr)

Genes: IRAK1BP1 (interleukin 1 receptor associated kinase 1 binding protein 1; plus strand), PHIP (PHIP subunit of CUL4-Ring ligase complex; minus strand). Cytogenetic location: 6q14.1.
Variant type: single nucleotide variant.
Coding change: c.3539T>C on transcript NM_017934.7 (MANE Select); coding-DNA position 3539, T replaced by C.
Protein change: p.Ile1180Thr; replaces isoleucine 1180 with threonine.
Molecular consequence: missense variant.
Genome position (GRCh38, 1-based): chr6:78,961,807, A>G on the plus strand (T>C on the coding strand, the complement: PHIP is on the minus strand). VCF-style: chr6-78961807-A-G. GRCh37 (hg19) VCF-style: chr6-79671524-A-G.
Other names: short protein forms I1180T.
Identifiers: ClinVar variation 2867885 (VCV002867885.3), dbSNP rs755959099, ClinGen allele CA3899659.

ClinVar aggregate classification (germline): Uncertain significance (1 of 4 stars; one submission).

Allele frequency attached by ClinVar (database versions not stated): ExAC 0.00001; gnomAD exomes below 0.00001; gnomAD 0.00001; TOPMed 0.00001.
gnomAD v4.1: 5 of 1,603,034 alleles (0.00031%); highest among the groups gnomAD compares: Non-Finnish European, 0.00043%; no homozygotes.

Submission:

Labcorp Genetics (formerly Invitae), Labcorp
Classification: Uncertain significance. Last evaluated: 2025-10-02. Review status: criteria provided, single submitter. Criteria: Invitae Variant Classification Sherloc (09022015). Collection method: clinical testing. Allele origin: germline.
Comment: This sequence change replaces isoleucine, which is neutral and non-polar, with threonine, which is neutral and polar, at codon 1180 of the PHIP protein (p.Ile1180Thr). The frequency data for this variant in the population databases is considered unreliable, as metrics indicate poor data quality at this position in the gnomAD database. This variant has not been reported in the literature in individuals affected with PHIP-related conditions. ClinVar contains an entry for this variant (Variation ID: 2867885). Invitae Evidence Modeling of protein sequence and biophysical properties (such as structural, functional, and spatial information, amino acid conservation, physicochemical variation, residue mobility, and thermodynamic stability) has been performed for this missense variant. However, the output from this modeling did not meet the statistical confidence thresholds required to predict the impact of this variant on PHIP protein function. In summary, the available evidence is currently insufficient to determine the role of this variant in disease. Therefore, it has been classified as a Variant of Uncertain Significance.